The following is an entry in ClinVar:

ClinVar aggregate classification (germline): Uncertain significance (1 of 4 stars; one submission).

Allele frequency attached by ClinVar (database versions not stated): gnomAD exomes 0.00001; TOPMed 0.00002; gnomAD 0.00003 and 0.00004.
gnomAD v4.1: 13 of 1,613,898 alleles (0.00081%); highest among the groups gnomAD compares: Admixed American, 0.0017%; no homozygotes.

Submission:

Labcorp Genetics (formerly Invitae), Labcorp
Classification: Uncertain significance. Last evaluated: 2021-10-14. Review status: criteria provided, single submitter. Criteria: Invitae Variant Classification Sherloc (09022015). Collection method: clinical testing. Allele origin: germline.
Comment: In summary, the available evidence is currently insufficient to determine the role of this variant in disease. Therefore, it has been classified as a Variant of Uncertain Significance. Algorithms developed to predict the effect of missense changes on protein structure and function are either unavailable or do not agree on the potential impact of this missense change (SIFT: "Deleterious"; PolyPhen-2: "Probably Damaging"; Align-GVGD: "Class C0"). This variant has not been reported in the literature in individuals affected with SPEG-related conditions. This variant is not present in population databases (ExAC no frequency). This sequence change replaces proline with serine at codon 3032 of the SPEG protein (p.Pro3032Ser). The proline residue is highly conserved and there is a moderate physicochemical difference between proline and serine.

NM_005876.5(SPEG):c.9094C>T (p.Pro3032Ser)

Genes: ASIC4-AS1 (ASIC4 antisense RNA 1; minus strand), SPEG (striated muscle enriched protein kinase; plus strand). Cytogenetic location: 2q35.
Variant type: single nucleotide variant.
Coding change: c.9094C>T on transcript NM_005876.5 (MANE Select); coding-DNA position 9094, C replaced by T.
Protein change: p.Pro3032Ser; replaces proline 3032 with serine.
Molecular consequence: missense variant.
Genome position (GRCh38, 1-based): chr2:219,490,581, C>T. VCF-style: chr2-219490581-C-T. GRCh37 (hg19) VCF-style: chr2-220355303-C-T.
Other names: short protein forms P3032S.
Identifiers: ClinVar variation 1432172 (VCV001432172.6), dbSNP rs1237704484, ClinGen allele CA350714476.
Genomic context (GRCh38, chr2:219,490,581, plus strand): 5'-GAGGTGCTGCGGACCCTGCACCACGAGCGGATCATGTCCCTGCACGAGGCCTACATCACC[C>T]CTCGGTACCTCGTGCTCATTGCTGAGAGCTGTGGCAACCGGGAACTCCTCTGTGGGCTCA-3'
Protein context (NP_005867.3, residues 3022-3042): IMSLHEAYIT[Pro3032Ser]RYLVLIAESC